The following is an entry in ClinVar:

NM_001364171.2(ODAD1):c.388A>G (p.Thr130Ala)

Gene: ODAD1 (outer dynein arm docking complex subunit 1; minus strand). Cytogenetic location: 19q13.33.
Variant type: single nucleotide variant.
Coding change: c.388A>G on transcript NM_001364171.2 (MANE Select); coding-DNA position 388, A replaced by G.
Protein change: p.Thr130Ala; replaces threonine 130 with alanine.
Molecular consequence: missense variant.
Genome position (GRCh38, 1-based): chr19:48,312,089, T>C on the plus strand (A>G on the coding strand, the complement: ODAD1 is on the minus strand). VCF-style: chr19-48312089-T-C. GRCh37 (hg19) VCF-style: chr19-48815346-T-C.
Other names: c.277A>G, p.Thr93Ala (NM_144577.4); short protein forms T130A, T93A.
Identifiers: ClinVar variation 2777262 (VCV002777262.3), dbSNP rs1968778540, ClinGen allele CA406665029.

ClinVar aggregate classification (germline): Uncertain significance (1 of 4 stars; one submission).

Conditions:
Primary ciliary dyskinesia. Also called: Ciliary dyskinesia. Identifiers: Orphanet 244, MedGen C0008780, MONDO:0016575, HP:0012265.

Allele frequency attached by ClinVar (database versions not stated): gnomAD exomes below 0.00001.
gnomAD v4.1: 1 of 1,551,258 alleles (0.000064%); highest among the groups gnomAD compares: Middle Eastern, 0.017%; no homozygotes.

Submission:

Labcorp Genetics (formerly Invitae), Labcorp
Classification: Uncertain significance for Primary ciliary dyskinesia. Last evaluated: 2023-11-27. Review status: criteria provided, single submitter. Criteria: Invitae Variant Classification Sherloc (09022015). Collection method: clinical testing. Allele origin: germline.
Comment: This sequence change replaces threonine, which is neutral and polar, with alanine, which is neutral and non-polar, at codon 93 of the CCDC114 protein (p.Thr93Ala). This variant is not present in population databases (gnomAD no frequency). This variant has not been reported in the literature in individuals affected with CCDC114-related conditions. Algorithms developed to predict the effect of missense changes on protein structure and function output the following: SIFT: "Not Available"; PolyPhen-2: "Benign"; Align-GVGD: "Not Available". The alanine amino acid residue is found in multiple mammalian species, which suggests that this missense change does not adversely affect protein function. In summary, the available evidence is currently insufficient to determine the role of this variant in disease. Therefore, it has been classified as a Variant of Uncertain Significance.